The following is an entry in ClinVar:

ClinVar aggregate classification (germline): Uncertain significance (1 of 4 stars; one submission).

Allele frequency attached by ClinVar (database versions not stated): gnomAD exomes below 0.00001; TOPMed 0.00001; ExAC 0.00002; gnomAD 0.00005.
gnomAD v4.1: 14 of 1,614,062 alleles (0.00087%); highest among the groups gnomAD compares: Admixed American, 0.0017%; no homozygotes.

Submission:

Ambry Genetics
Classification: Uncertain significance. Last evaluated: 2023-11-24. Review status: criteria provided, single submitter. Criteria: Ambry Variant Classification Scheme 2023. Collection method: clinical testing. Allele origin: germline.
Comment: The p.L55W variant (also known as c.164T>G), located in coding exon 3 of the RAD54L gene, results from a T to G substitution at nucleotide position 164. The leucine at codon 55 is replaced by tryptophan, an amino acid with similar properties. This amino acid position is conserved. In addition, this alteration is predicted to be deleterious by in silico analysis. Since supporting evidence is limited at this time, the clinical significance of this alteration remains unclear.

NM_003579.4(RAD54L):c.164T>G (p.Leu55Trp)

Gene: RAD54L (RAD54 like; plus strand). Cytogenetic location: 1p34.1.
Variant type: single nucleotide variant.
Coding change: c.164T>G on transcript NM_003579.4 (MANE Select); coding-DNA position 164, T replaced by G.
Protein change: p.Leu55Trp; replaces leucine 55 with tryptophan.
Molecular consequence: missense variant. On other transcripts: 5 prime UTR variant (1).
Genome position (GRCh38, 1-based): chr1:46,250,073, T>G. VCF-style: chr1-46250073-T-G. GRCh37 (hg19) VCF-style: chr1-46715745-T-G.
Other names: c.164T>G, p.Leu55Trp (NM_001142548.2); c.-377T>G (NM_001370766.1); short protein forms L55W.
Identifiers: ClinVar variation 1777234 (VCV001777234.2), dbSNP rs746613212, ClinGen allele CA834158.
Genomic context (GRCh38, chr1:46,250,073, plus strand): 5'-GGAAATCCAGCAGTGAGACCCAGATCCAGGAGTGTTTCCTGTCTCCTTTTCGGAAACCTT[T>G]GAGTCAGCTAACCAATCAACCACCTTGTCTGGACAGCAGTCAGCATGTAAGCCAGAACTG-3'
Protein context (NP_003570.2, residues 45-65): ECFLSPFRKP[Leu55Trp]SQLTNQPPCL